The following is an entry in ClinVar:

NM_001943.5(DSG2):c.1697G>C (p.Ser566Thr)

Gene: DSG2 (desmoglein 2; plus strand). Cytogenetic location: 18q12.1.
Variant type: single nucleotide variant.
Coding change: c.1697G>C on transcript NM_001943.5 (MANE Select); coding-DNA position 1697, G replaced by C.
Protein change: p.Ser566Thr; replaces serine 566 with threonine.
Molecular consequence: missense variant.
Genome position (GRCh38, 1-based): chr18:31,538,796, G>C. VCF-style: chr18-31538796-G-C. GRCh37 (hg19) VCF-style: chr18-29118759-G-C.
Other names: short protein forms S566T.
Identifiers: ClinVar variation 4710147 (VCV004710147.1).

ClinVar aggregate classification (germline): Uncertain significance (1 of 4 stars; one submission).

Conditions:
Arrhythmogenic right ventricular dysplasia 10. Also called: Arrhythmogenic Right Ventricular Dysplasia/Cardiomyopathy10; ARRHYTHMOGENIC RIGHT VENTRICULAR DYSPLASIA, FAMILIAL, 10; Arrhythmogenic right ventricular dysplasia/cardiomyopathy, type 10. Identifiers: MedGen C1857777, MONDO:0012434, OMIM 610193.

Submission:

Labcorp Genetics (formerly Invitae), Labcorp
Classification: Uncertain significance for Arrhythmogenic right ventricular dysplasia 10. Last evaluated: 2025-09-25. Review status: criteria provided, single submitter. Criteria: Invitae Variant Classification Sherloc (09022015). Collection method: clinical testing. Allele origin: germline.
Comment: This sequence change replaces serine, which is neutral and polar, with threonine, which is neutral and polar, at codon 566 of the DSG2 protein (p.Ser566Thr). This variant is not present in population databases (gnomAD no frequency). This variant has not been reported in the literature in individuals affected with DSG2-related conditions. Invitae Evidence Modeling of protein sequence and biophysical properties (such as structural, functional, and spatial information, amino acid conservation, physicochemical variation, residue mobility, and thermodynamic stability) indicates that this missense variant is not expected to disrupt DSG2 protein function with a negative predictive value of 95%. In summary, the available evidence is currently insufficient to determine the role of this variant in disease. Therefore, it has been classified as a Variant of Uncertain Significance.